The following is an entry in ClinVar:

ClinVar aggregate classification (germline): Pathogenic (3 of 4 stars; one submission).

Conditions:
ATM-related cancer predisposition. Also called: ATM-related cancer susceptibility. Identifiers: MedGen CN377759, MONDO:0700270.

Submission:

ClinGen Hereditary Breast, Ovarian and Pancreatic Cancer Variant Curation Expert Panel, ClinGen
Classification: Pathogenic for ATM-related cancer predisposition. Last evaluated: 2025-09-21. Review status: reviewed by expert panel. Criteria: ClinGen HBOP ACMG Specifications ATM V1.3.0. Collection method: curation. Allele origin: germline. Inheritance: Autosomal dominant inheritance.
Comment: The c.5366del (p.Leu1789Argfs*4) variant in ATM is a frameshift variant predicted to cause a premature stop codon in a biologically-relevant-exon leading to nonsense mediated decay in a gene in which loss-of-function is an established disease mechanism. This alteration results in a termination codon upstream of the most C-terminal pathogenic alteration (ATM p.Arg3047*), as classified by the HBOP VCEP, and is expected to be more deleterious. This variant has been detected in at least one individual with Ataxia-Telangiectasia (PMID: 26896183). This variant is absent from gnomAD v.4.1.0. In summary, this variant meets the criteria to be classified as pathogenic for autosomal dominant ATM-related cancer predisposition and autosomal recessive Ataxia-Telangiectasia based on the ACMG/AMP criteria applied as specified by the HBOP VCEP. (PVS1, PM5_Supporting, PM3, PM2_Supporting)

NM_000051.4(ATM):c.5366del (p.Leu1789fs)

Gene: ATM (ATM serine/threonine kinase; plus strand). Cytogenetic location: 11q22.3.
Variant type: Deletion.
Coding change: c.5366del on transcript NM_000051.4 (MANE Select); coding-DNA position 5366, one base deleted (T; older notation c.5366delT).
Protein change: p.Leu1789fs; shifts the reading frame from leucine 1789.
Molecular consequence: frameshift variant.
Genome position (GRCh38, 1-based): chr11:108,302,899, T deleted. VCF-style (leftmost placement, unchanged base first): chr11-108302898-CT-C. GRCh37 (hg19) VCF-style: chr11-108173625-CT-C.
Other names: NM_000051.4:c.5366del; c.5366del, p.Leu1789fs (NM_001351834.2); short protein forms L1789fs.
Identifiers: ClinVar variation 4281693 (VCV004281693.1).
Genomic context (GRCh38, chr11:108,302,898, plus strand): 5'-TCCCTTTCTTTCTAGTTTTTAGAAGTACCCAGATTTGACAAAGAAAACCCTTTTGAAGGC[CT>C]GGATGATATAAATCTGTGGATTCCTCTAAGTGAAAATCATGACATTTGGATAAAGACACT-3'